The following is an entry in ClinVar:

NM_000478.6(ALPL):c.258G>A (p.Arg86=)

Gene: ALPL (alkaline phosphatase, biomineralization associated; plus strand). Cytogenetic location: 1p36.12.
Variant type: single nucleotide variant.
Coding change: c.258G>A on transcript NM_000478.6 (MANE Select); coding-DNA position 258, G replaced by A.
Protein change: p.Arg86=; no amino-acid change (arginine 86 retained).
Molecular consequence: synonymous variant. On other transcripts: intron variant (1).
Genome position (GRCh38, 1-based): chr1:21,561,173, G>A. VCF-style: chr1-21561173-G-A. GRCh37 (hg19) VCF-style: chr1-21887666-G-A.
Other names: c.93G>A, p.Arg31= (NM_001127501.4); c.258G>A, p.Arg86= (NM_001369803.2, NM_001369804.2, NM_001369805.2); c.66+428G>A (NM_001177520.3).
Identifiers: ClinVar variation 2170379 (VCV002170379.5), dbSNP rs949950484, ClinGen allele CA19088500.

ClinVar aggregate classification (germline): Likely benign. Review status: criteria provided, multiple submitters, no conflicts (2 of 4 stars). 2 submissions from 2 submitters: Likely benign (2). Last evaluated 2025-08-29.

Conditions:
Hypophosphatasia. Also called: Phosphoethanol-aminuria. Identifiers: Orphanet 436, MedGen C0020630, MeSH D007014, MONDO:0018570.

Allele frequency attached by ClinVar (database versions not stated): gnomAD 0.00002; TOPMed 0.00002; gnomAD exomes 0.00004.

Submissions (2):

Genomenon, Inc
Classification: Likely benign for Hypophosphatasia. Last evaluated: 2025-08-29. Review status: criteria provided, single submitter. Criteria: Genomenon Sequence Variant Interpretation Standards. Collection method: curation. Allele origin: germline. Affected: yes.
Comment: ALPL c.258G>A is a synonymous variant that retains Arginine at residue 86. This variant has been observed in at least one proband affected with hypophosphatasia (PMID:31787692). It is absent or not present at a significant frequency in gnomAD. This synonymous variant is not predicted to impact splicing. In conclusion, we classify ALPL c.258G>A as a likely benign variant.

Labcorp Genetics (formerly Invitae), Labcorp
Classification: Likely benign. Last evaluated: 2023-01-17. Review status: criteria provided, single submitter. Criteria: Invitae Variant Classification Sherloc (09022015). Collection method: clinical testing. Allele origin: germline.

Literature cited by the submitters: PubMed 31787692 (cited by Genomenon, Inc).